The following is an entry in ClinVar:

ClinVar aggregate classification (germline): Likely benign (1 of 4 stars; one submission).

Allele frequency attached by ClinVar (database versions not stated): 1000 Genomes Project 30x 0.00047; 1000 Genomes Project 0.00060; ESP Exome Variant Server 0.00098; gnomAD 0.00146; TOPMed 0.00175; ExAC 0.00234.
gnomAD v4.1: 2,805 of 1,606,332 alleles (0.17%); highest among the groups gnomAD compares: Middle Eastern, 0.33%; 9 homozygotes.

Submission:

CeGaT Center for Human Genetics Tuebingen
Classification: Likely benign. Last evaluated: 2023-04-01. Review status: criteria provided, single submitter. Criteria: CeGaT Center For Human Genetics Tuebingen Variant Classification Criteria Version 2. Collection method: clinical testing. Allele origin: germline. Affected: yes. Observed: 1 variant allele.
Comment: ITGA11: BS2

NM_001004439.2(ITGA11):c.454G>A (p.Val152Met)

Gene: ITGA11 (integrin subunit alpha 11; minus strand). Cytogenetic location: 15q23.
Variant type: single nucleotide variant.
Coding change: c.454G>A on transcript NM_001004439.2 (MANE Select); coding-DNA position 454, G replaced by A.
Protein change: p.Val152Met; replaces valine 152 with methionine.
Molecular consequence: missense variant.
Genome position (GRCh38, 1-based): chr15:68,361,608, C>T on the plus strand (G>A on the coding strand, the complement: ITGA11 is on the minus strand). VCF-style: chr15-68361608-C-T. GRCh37 (hg19) VCF-style: chr15-68653946-C-T.
Other names: short protein forms V152M.
Identifiers: ClinVar variation 2645489 (VCV002645489.24), dbSNP rs148886354, ClinGen allele CA7632180.
Genomic context (GRCh38, chr15:68,361,608, plus strand): 5'-GTCCACTGCTCAGCTTGAGGTTGCAGATTTGAAGCCACTTACTTTGGAGAGCTGGGGCCA[C>T]GGTCTTGGAGAACCTGAAGTTGGAGTTGACTCTTGAACACATCCCTGTGGTGTAGTAGGA-3'
Protein context (NP_001004439.1, residues 142-162): VNSNFRFSKT[Val152Met]APALQRCQTY